The following is an entry in ClinVar:

ClinVar aggregate classification (germline): Benign (1 of 4 stars; one submission).

Allele frequency attached by ClinVar (database versions not stated): gnomAD exomes 0.00024; 1000 Genomes Project 30x 0.00297; gnomAD 0.00309; TOPMed 0.00336; 1000 Genomes Project 0.00339.
gnomAD v4.1: 828 of 1,583,650 alleles (0.052%); highest among the groups gnomAD compares: African/African-American, 0.98%; 6 homozygotes.

Submission:

CeGaT Center for Human Genetics Tuebingen
Classification: Benign. Last evaluated: 2023-01-01. Review status: criteria provided, single submitter. Criteria: CeGaT Center For Human Genetics Tuebingen Variant Classification Criteria Version 2. Collection method: clinical testing. Allele origin: germline. Affected: yes. Observed: 1 variant allele.
Comment: CHD4: BS1, BS2

NM_001273.5(CHD4):c.5119+59G>T

Genes: CHD4 (chromodomain helicase DNA binding protein 4; minus strand), CHD4-AS1 (CHD4 antisense RNA 1; plus strand). Cytogenetic location: 12p13.31.
Variant type: single nucleotide variant.
Coding change: c.5119+59G>T on transcript NM_001273.5 (MANE Select); 59 bases into the intron after coding-DNA position 5119, G replaced by T.
Molecular consequence: intron variant.
Genome position (GRCh38, 1-based): chr12:6,578,350, C>A on the plus strand (G>T on the coding strand, the complement: CHD4 is on the minus strand). VCF-style: chr12-6578350-C-A. GRCh37 (hg19) VCF-style: chr12-6687516-C-A.
Other names: c.5086+59G>T (NM_001363606.2); c.5098+59G>T (NM_001297553.2).
Identifiers: ClinVar variation 2642623 (VCV002642623.24), dbSNP rs181144039, ClinGen allele CA232385755.